The following is an entry in ClinVar:

NM_006415.4(SPTLC1):c.309C>T (p.Phe103=)

Gene: SPTLC1 (serine palmitoyltransferase long chain base subunit 1; minus strand). Cytogenetic location: 9q22.31.
Variant type: single nucleotide variant.
Coding change: c.309C>T on transcript NM_006415.4 (MANE Select); coding-DNA position 309, C replaced by T.
Protein change: p.Phe103=; no amino-acid change (phenylalanine 103 retained).
Molecular consequence: synonymous variant. On other transcripts: 5 prime UTR variant (2).
Genome position (GRCh38, 1-based): chr9:92,080,915, G>A on the plus strand (C>T on the coding strand, the complement: SPTLC1 is on the minus strand). VCF-style: chr9-92080915-G-A. GRCh37 (hg19) VCF-style: chr9-94843197-G-A.
Other names: c.309C>T, p.Phe103= (NM_001281303.2, NM_178324.3); c.-191C>T (NM_001368272.1); c.-157C>T (NM_001368273.1); c.309C>T (NM_006415.3).
Identifiers: ClinVar variation 1542934 (VCV001542934.9), dbSNP rs749413518, ClinGen allele CA5121607.
Genomic context (GRCh38, chr9:92,080,915, plus strand): 5'-ATATGTGCTACTCACCTTAACCCTAGGGTTATCCAACAATCCAAGAAAATTAAATGAGGC[G>A]AAGTTTATACATTCTTTTCCATTCACCACAGTTTTGTGGCTTGGAGGGCTAGGGAAGAGA-3'
Protein context (NP_006406.1, residues 93-113): TVVNGKECIN[Phe103=]ASFNFLGLLD

ClinVar aggregate classification (germline): Likely benign. Review status: criteria provided, multiple submitters, no conflicts (2 of 4 stars). 2 submissions from 2 submitters: Likely benign (2). Last evaluated 2025-07-30.

Conditions:
Hereditary sensory and autonomic neuropathy type 1 (HSAN1). Also called: HSAN 1; HSN Type I; Hereditary Sensory Neuropathy Type I. Identifiers: Orphanet 36386, MedGen C0020071, MONDO:0018213.
SPTLC1-related disorder. Also called: SPTLC1-related condition.

Allele frequency attached by ClinVar (database versions not stated): gnomAD exomes 0.00003 and 0.00001; ExAC 0.00003; gnomAD 0.00003; TOPMed 0.00006.

Submissions (2):

PreventionGenetics, part of Exact Sciences
Classification: Likely benign for SPTLC1-related condition. Last evaluated: 2025-07-30. Review status: criteria provided, single submitter. Criteria: ACMG Guidelines, 2015. Collection method: clinical testing. Allele origin: germline.
Comment: This variant is classified as likely benign based on ACMG/AMP sequence variant interpretation guidelines (Richards et al. 2015 PMID: 25741868, with internal and published modifications).

Labcorp Genetics (formerly Invitae), Labcorp
Classification: Likely benign for Hereditary sensory and autonomic neuropathy type 1. Last evaluated: 2024-06-01. Review status: criteria provided, single submitter. Criteria: Invitae Variant Classification Sherloc (09022015). Collection method: clinical testing. Allele origin: germline.